The following is an entry in ClinVar:

NM_003506.4(FZD6):c.46C>G (p.Leu16Val)

Gene: FZD6 (frizzled class receptor 6; plus strand). Cytogenetic location: 8q22.3.
Variant type: single nucleotide variant.
Coding change: c.46C>G on transcript NM_003506.4 (MANE Select); coding-DNA position 46, C replaced by G.
Protein change: p.Leu16Val; replaces leucine 16 with valine.
Molecular consequence: missense variant. On other transcripts: 5 prime UTR variant (1), non-coding transcript variant (1), intron variant (1).
Genome position (GRCh38, 1-based): chr8:103,300,153, C>G. VCF-style: chr8-103300153-C-G. GRCh37 (hg19) VCF-style: chr8-104312381-C-G.
Other names: NC_000008.10:g.104312381C>G; c.46C>G, p.Leu16Val (NM_001164615.2); c.-100C>G (NM_001317796.2); c.-4-47C>G (NM_001164616.2); short protein forms L16V.
Identifiers: ClinVar variation 3039484 (VCV003039484.3), dbSNP rs117477069, ClinGen allele CA4834693.

ClinVar aggregate classification (germline): Likely benign (0 of 4 stars; one submission).

Conditions:
FZD6-related disorder. Also called: FZD6-related condition.

Allele frequency attached by ClinVar (database versions not stated): 1000 Genomes Project 0.00160; 1000 Genomes Project 30x 0.00187; gnomAD 0.00283; TOPMed 0.00305; ExAC 0.00358; ESP Exome Variant Server 0.00369; gnomAD exomes 0.00488.
gnomAD v4.1: 7,406 of 1,602,314 alleles (0.46%); highest among the groups gnomAD compares: Non-Finnish European, 0.6%; 25 homozygotes.

Submissions (5):

PreventionGenetics, part of Exact Sciences
Classification: Likely benign for FZD6-related condition. Last evaluated: 2020-01-13. Review status: no assertion criteria provided. Collection method: clinical testing. Allele origin: germline.
Comment: This variant is classified as likely benign based on ACMG/AMP sequence variant interpretation guidelines (Richards et al. 2015 PMID: 25741868, with internal and published modifications).

Dr. Peter K. Rogan Lab, Western University
No classification provided (evidence only). Condition: Melanoma. Review status: no classification provided. Collection method: in vitro. Allele origin: not applicable. Functional consequence: retained intron. Not counted in ClinVar's aggregate classification.

Dr. Peter K. Rogan Lab, Western University
No classification provided (evidence only). Condition: Familial cancer of breast. Review status: no classification provided. Collection method: in vitro. Allele origin: not applicable. Functional consequence: retained intron. Not counted in ClinVar's aggregate classification.

Dr. Peter K. Rogan Lab, Western University
No classification provided (evidence only). Condition: Acute myeloid leukemia. Review status: no classification provided. Collection method: in vitro. Allele origin: not applicable. Functional consequence: retained intron. Not counted in ClinVar's aggregate classification.

Dr. Peter K. Rogan Lab, Western University
No classification provided (evidence only). Condition: Sarcoma. Review status: no classification provided. Collection method: in vitro. Allele origin: not applicable. Functional consequence: retained intron. Not counted in ClinVar's aggregate classification.